The following is an entry in ClinVar:

ClinVar aggregate classification (germline): Uncertain significance (1 of 4 stars; one submission).

Submission:

Labcorp Genetics (formerly Invitae), Labcorp
Classification: Uncertain significance. Last evaluated: 2025-02-24. Review status: criteria provided, single submitter. Criteria: Invitae Variant Classification Sherloc (09022015). Collection method: clinical testing. Allele origin: germline.
Comment: This sequence change replaces aspartic acid, which is acidic and polar, with glutamic acid, which is acidic and polar, at codon 77 of the NDUFB11 protein (p.Asp77Glu). This variant is not present in population databases (gnomAD no frequency). This variant has not been reported in the literature in individuals affected with NDUFB11-related conditions. ClinVar contains an entry for this variant (Variation ID: 2070798). An algorithm developed to predict the effect of missense changes on protein structure and function (PolyPhen-2) suggests that this variant is likely to be disruptive. In summary, the available evidence is currently insufficient to determine the role of this variant in disease. Therefore, it has been classified as a Variant of Uncertain Significance.

NM_001135998.3(NDUFB11):c.231C>A (p.Asp77Glu)

Gene: NDUFB11 (NADH:ubiquinone oxidoreductase subunit B11; minus strand). Cytogenetic location: Xp11.3.
Variant type: single nucleotide variant.
Coding change: c.231C>A on transcript NM_001135998.3 (MANE Select); coding-DNA position 231, C replaced by A.
Protein change: p.Asp77Glu; replaces aspartic acid 77 with glutamic acid.
Molecular consequence: missense variant.
Genome position (GRCh38, 1-based): chrX:47,142,721, G>T on the plus strand (C>A on the coding strand, the complement: NDUFB11 is on the minus strand). VCF-style: chrX-47142721-G-T. GRCh37 (hg19) VCF-style: chrX-47002120-G-T.
Other names: c.231C>A, p.Asp77Glu (NM_019056.7); short protein forms D77E.
Identifiers: ClinVar variation 2070798 (VCV002070798.4), dbSNP rs1931819537, ClinGen allele CA412780637.